The following is an entry in ClinVar:

NM_003922.4(HERC1):c.8935G>C (p.Val2979Leu)

Gene: HERC1 (HECT and RLD domain containing E3 ubiquitin protein ligase family member 1; minus strand). Cytogenetic location: 15q22.31.
Variant type: single nucleotide variant.
Coding change: c.8935G>C on transcript NM_003922.4 (MANE Select); coding-DNA position 8935, G replaced by C.
Protein change: p.Val2979Leu; replaces valine 2979 with leucine.
Molecular consequence: missense variant.
Genome position (GRCh38, 1-based): chr15:63,661,988, C>G on the plus strand (G>C on the coding strand, the complement: HERC1 is on the minus strand). VCF-style: chr15-63661988-C-G. GRCh37 (hg19) VCF-style: chr15-63954187-C-G.
Other names: short protein forms V2979L.
Identifiers: ClinVar variation 3631614 (VCV003631614.2).
Genomic context (GRCh38, chr15:63,661,988, plus strand): 5'-GGTTTCTCTTCATGTGCTGATTGAAGCTGACGACGCTGCATTCACACAGTTCACACACCA[C>G]CACTTCTTCCCTGTCTTCAGACTCACAAACATGCTGCACAAAAGGATTTCATACCAAATG-3'
Protein context (NP_003913.3, residues 2969-2989): VCESEDREEV[Val2979Leu]VCELCECSVV

ClinVar aggregate classification (germline): Uncertain significance (1 of 4 stars; one submission).

Submission:

Labcorp Genetics (formerly Invitae), Labcorp
Classification: Uncertain significance. Last evaluated: 2024-03-30. Review status: criteria provided, single submitter. Criteria: Invitae Variant Classification Sherloc (09022015). Collection method: clinical testing. Allele origin: germline.
Comment: This sequence change replaces valine, which is neutral and non-polar, with leucine, which is neutral and non-polar, at codon 2979 of the HERC1 protein (p.Val2979Leu). This variant is not present in population databases (gnomAD no frequency). This variant has not been reported in the literature in individuals affected with HERC1-related conditions. Advanced modeling of protein sequence and biophysical properties (such as structural, functional, and spatial information, amino acid conservation, physicochemical variation, residue mobility, and thermodynamic stability) has been performed at Invitae for this missense variant, however the output from this modeling did not meet the statistical confidence thresholds required to predict the impact of this variant on HERC1 protein function. In summary, the available evidence is currently insufficient to determine the role of this variant in disease. Therefore, it has been classified as a Variant of Uncertain Significance.